The following is an entry in ClinVar:

ClinVar aggregate classification (germline): Pathogenic. Review status: criteria provided, multiple submitters, no conflicts (2 of 4 stars). 3 submissions from 3 submitters: Pathogenic (3). Last evaluated 2023-08-14.

Conditions:
Polycystic kidney disease, adult type (PKD1). Also called: Polycystic Kidney, Autosomal Dominant; Polycystic Kidney Disease 1, Autosomal Dominant; Polycystic kidney disease 1; Polycystic kidney disease 1, severe; POLYCYSTIC KIDNEY DISEASE, ADULT, TYPE I; POLYCYSTIC KIDNEY DISEASE 1 WITH OR WITHOUT POLYCYSTIC LIVER DISEASE. Identifiers: MedGen C3149841, MONDO:0008263, OMIM 173900.
Inborn genetic diseases. Identifiers: MedGen C0950123, MeSH D030342.
PKD1-related disorder. Also called: PKD1-related condition.

Submissions (3):

Ambry Genetics
Classification: Pathogenic for Inborn genetic diseases. Last evaluated: 2023-08-14. Review status: criteria provided, single submitter. Criteria: Ambry Variant Classification Scheme 2023. Collection method: clinical testing. Allele origin: germline.
Comment: The c.9584G>A (p.W3195*) alteration, located in exon 28 (coding exon 28) of the PKD1 gene, consists of a G to A substitution at nucleotide position 9584. This changes the amino acid from a tryptophan (W) to a stop codon at amino acid position 3195. This alteration is expected to result in loss of function by premature protein truncation or nonsense-mediated mRNA decay. This variant was not reported in population-based cohorts in the Genome Aggregation Database (gnomAD). This alteration has been detected in the heterozygous state in two individuals with clinical features of PKD1-related polycystic kidney disease (Kim, 2021; Obeidova, 2014). A different nucleotide substitution resulting in the same nonsense variant, c.9585G > A (p.W3195*), has also been reported in patients with PKD1-related polycystic kidney disease (Kim, 2019; Neumann, 2013). Based on the available evidence, this alteration is classified as pathogenic.

Revvity Omics, Revvity
Classification: Pathogenic for Polycystic kidney disease, adult type. Last evaluated: 2023-02-17. Review status: criteria provided, single submitter. Criteria: ACMG Guidelines, 2015. Collection method: clinical testing. Allele origin: germline.

Blueprint Genetics
Classification: Pathogenic for PKD1-related disorders. Last evaluated: 2021-05-10. Review status: criteria provided, single submitter. Criteria: ACMG Guidelines, 2015. Collection method: clinical testing. Allele origin: germline. Affected: yes. Observed: 1 variant allele.

Literature cited by the submitters: PubMed 23300259 (cited by Ambry Genetics); PubMed 24694054 (cited by Ambry Genetics); PubMed 31740684 (cited by Ambry Genetics); PubMed 32816041 (cited by Ambry Genetics).

NM_001009944.3(PKD1):c.9584G>A (p.Trp3195Ter)

Gene: PKD1 (polycystin 1, transient receptor potential channel interacting; minus strand). Cytogenetic location: 16p13.3.
Variant type: single nucleotide variant.
Coding change: c.9584G>A on transcript NM_001009944.3 (MANE Select); coding-DNA position 9584, G replaced by A.
Protein change: p.Trp3195Ter; replaces tryptophan 3195 with a stop codon.
Molecular consequence: nonsense.
Genome position (GRCh38, 1-based): chr16:2,100,294, C>T on the plus strand (G>A on the coding strand, the complement: PKD1 is on the minus strand). VCF-style: chr16-2100294-C-T. GRCh37 (hg19) VCF-style: chr16-2150295-C-T.
Other names: c.9584G>A (NM_000296.3); c.9584G>A, p.Trp3195Ter (NM_000296.4); short protein forms W3195*.
Identifiers: ClinVar variation 2437838 (VCV002437838.6), dbSNP rs2544716328, ClinGen allele CA394355544.